The following is an entry in ClinVar:

ClinVar aggregate classification (germline): Benign/Likely benign. Review status: criteria provided, multiple submitters, no conflicts (2 of 4 stars). 2 submissions from 2 submitters: Benign (1); Likely benign (1). Last evaluated 2025-04-02.

Conditions:
APOA2-related disorder. Also called: APOA2-related condition.

Allele frequency attached by ClinVar (database versions not stated): gnomAD exomes 0.00032 and 0.00074; ExAC 0.00092; 1000 Genomes Project 0.00220; 1000 Genomes Project 30x 0.00297; gnomAD 0.00308 and 0.00339; TOPMed 0.00332; ESP Exome Variant Server 0.00423.

Submissions (2):

PreventionGenetics, part of Exact Sciences
Classification: Likely benign for APOA2-related condition. Last evaluated: 2025-04-02. Review status: criteria provided, single submitter. Criteria: ACMG Guidelines, 2015. Collection method: clinical testing. Allele origin: germline.
Comment: This variant is classified as likely benign based on ACMG/AMP sequence variant interpretation guidelines (Richards et al. 2015 PMID: 25741868, with internal and published modifications).

Women's Health and Genetics/Laboratory Corporation of America, LabCorp
Classification: Benign. Last evaluated: 2017-12-04. Review status: criteria provided, single submitter. Criteria: LabCorp Variant Classification Summary - May 2015. Collection method: clinical testing. Allele origin: germline.
Comment: Variant summary: The APOA2 c.247C>T (p.Leu83Leu) variant involves the alteration of a non-conserved nucleotide located in the SSF82936 (SSF82936) (InterPro), resulting in a synonymous change. One in silico tool predicts a benign outcome for this variant. 5/5 splice prediction tools predict no significant impact on normal splicing. However, these predictions have yet to be confirmed by functional studies. This variant was found in 292/277210 control chromosomes (2 homozygotes)(gnomAD), predominantly observed in the African subpopulation at a frequency of 0.0114 (274/24036). This frequency is about 570 times the estimated maximal expected allele frequency of a pathogenic APOA2 variant (0.00002), suggesting this is likely a benign polymorphism found primarily in the populations of African origin. The variant of interest has not, to our knowledge, been reported in affected individuals via publications and/or reputable databases/clinical diagnostic laboratories; nor evaluated for functional impact by in vivo/vitro studies. Taken together, this variant is classified as benign.

NM_001643.2(APOA2):c.247C>T (p.Leu83=)

Gene: APOA2 (apolipoprotein A2; minus strand). Cytogenetic location: 1q23.3.
Variant type: single nucleotide variant.
Coding change: c.247C>T on transcript NM_001643.2 (MANE Select); coding-DNA position 247, C replaced by T.
Protein change: p.Leu83=; no amino-acid change (leucine 83 retained).
Molecular consequence: synonymous variant.
Genome position (GRCh38, 1-based): chr1:161,222,461, G>A on the plus strand (C>T on the coding strand, the complement: APOA2 is on the minus strand). VCF-style: chr1-161222461-G-A. GRCh37 (hg19) VCF-style: chr1-161192251-G-A.
Identifiers: ClinVar variation 632643 (VCV000632643.2), dbSNP rs5088, ClinGen allele CA1209096.